The following is an entry in ClinVar:

NM_080911.3(UNG):c.489C>G (p.His163Gln)

Gene: UNG (uracil DNA glycosylase; plus strand). Cytogenetic location: 12q24.11.
Variant type: single nucleotide variant.
Coding change: c.489C>G on transcript NM_080911.3 (MANE Select); coding-DNA position 489, C replaced by G.
Protein change: p.His163Gln; replaces histidine 163 with glutamine.
Molecular consequence: missense variant.
Genome position (GRCh38, 1-based): chr12:109,101,955, C>G. VCF-style: chr12-109101955-C-G. GRCh37 (hg19) VCF-style: chr12-109539760-C-G.
Other names: c.462C>G, p.His154Gln (NM_003362.4); c.489C>G (NM_080911.2); short protein forms H154Q, H163Q.
Identifiers: ClinVar variation 1446563 (VCV001446563.6), dbSNP rs376918741, ClinGen allele CA6772635.

ClinVar aggregate classification (germline): Uncertain significance. Review status: criteria provided, multiple submitters, no conflicts (2 of 4 stars). 2 submissions from 2 submitters: Uncertain significance (2). Last evaluated 2025-10-29.

Conditions:
Hyper-IgM syndrome type 5 (HIGM5). Also called: Hyper-IgM Immunodeficiency Syndrome, Type 5. Identifiers: Orphanet 101092, MedGen C1720958, MONDO:0011971, OMIM 608106.

Allele frequency attached by ClinVar (database versions not stated): ESP Exome Variant Server 0.00008; 1000 Genomes Project 30x 0.00031; 1000 Genomes Project 0.00040.
gnomAD v4.1: 20 of 1,614,078 alleles (0.0012%); highest among the groups gnomAD compares: African/African-American, 0.024%; no homozygotes.

Submissions (2):

Ambry Genetics
Classification: Uncertain significance. Last evaluated: 2025-10-29. Review status: criteria provided, single submitter. Criteria: Ambry Variant Classification Scheme 2023. Collection method: clinical testing. Allele origin: germline.

Labcorp Genetics (formerly Invitae), Labcorp
Classification: Uncertain significance for Hyper-IgM syndrome type 5. Last evaluated: 2023-12-07. Review status: criteria provided, single submitter. Criteria: Invitae Variant Classification Sherloc (09022015). Collection method: clinical testing. Allele origin: germline.
Comment: This sequence change replaces histidine, which is basic and polar, with glutamine, which is neutral and polar, at codon 163 of the UNG protein (p.His163Gln). This variant is present in population databases (rs376918741, gnomAD 0.04%). This variant has not been reported in the literature in individuals affected with UNG-related conditions. ClinVar contains an entry for this variant (Variation ID: 1446563). Advanced modeling of protein sequence and biophysical properties (such as structural, functional, and spatial information, amino acid conservation, physicochemical variation, residue mobility, and thermodynamic stability) performed at Invitae indicates that this missense variant is expected to disrupt UNG protein function with a positive predictive value of 80%. Algorithms developed to predict the effect of sequence changes on RNA splicing suggest that this variant may disrupt the consensus splice site. In summary, the available evidence is currently insufficient to determine the role of this variant in disease. Therefore, it has been classified as a Variant of Uncertain Significance.